The following is an entry in ClinVar:

ClinVar aggregate classification (germline): Uncertain significance. Review status: criteria provided, single submitter (1 of 4 stars). 2 submissions from 2 submitters: Uncertain significance (1). 1 of the submissions does not count toward it. Last evaluated 2022-02-08.

Conditions:
Iodotyrosyl coupling defect (TDH3). Also called: THYROID HORMONOGENESIS, GENETIC DEFECT IN, 3; HYPOTHYROIDISM, CONGENITAL, DUE TO DYSHORMONOGENESIS, 3. Identifiers: Orphanet 95716, MedGen C0342194, MONDO:0010135, OMIM 274700.

Allele frequency attached by ClinVar (database versions not stated): gnomAD exomes below 0.00001.
gnomAD v4.1: 1 of 1,613,718 alleles (0.000062%); highest among the groups gnomAD compares: East Asian, 0.0022%; no homozygotes.

Submissions (2):

GeneDx
Classification: Uncertain significance. Last evaluated: 2022-02-08. Review status: criteria provided, single submitter. Criteria: GeneDx Variant Classification Process June 2021. Collection method: clinical testing. Allele origin: germline. Affected: yes.
Comment: Identified with a second TG variant likely on the opposite allele (in trans) in a patient with congenital goitrous hypothyroidism (Hishinuma et al., 2006; Kitanaka et al., 2006); In silico analysis supports that this missense variant has a deleterious effect on protein structure/function; Also known as C1878Y; This variant is associated with the following publications: (PMID: 16477365, 16720658)

OMIM
Classification: Pathogenic for THYROID DYSHORMONOGENESIS 3. Last evaluated: 2006-01-01. Review status: no assertion criteria provided. Collection method: literature only. Allele origin: germline. Not counted in ClinVar's aggregate classification.

Literature cited by the submitters: PubMed 16477365 (cited by OMIM).

NM_003235.5(TG):c.5690G>A (p.Cys1897Tyr)

Gene: TG (thyroglobulin; plus strand). Cytogenetic location: 8q24.22.
Variant type: single nucleotide variant.
Coding change: c.5690G>A on transcript NM_003235.5 (MANE Select); coding-DNA position 5690, G replaced by A.
Protein change: p.Cys1897Tyr; replaces cysteine 1897 with tyrosine.
Molecular consequence: missense variant.
Genome position (GRCh38, 1-based): chr8:132,967,797, G>A. VCF-style: chr8-132967797-G-A. GRCh37 (hg19) VCF-style: chr8-133980042-G-A.
Other names: short protein forms C1897Y.
Identifiers: ClinVar variation 12704 (VCV000012704.3), dbSNP rs121912649, ClinGen allele CA210710.
Genomic context (GRCh38, chr8:132,967,797, plus strand): 5'-TTATTCTCCCCTGTAGACCCCACAAAAACTAAAATCACACTACTCTCTTGCCTGTAGGTT[G>A]TGTGCAGGAGCACTCTTTCTGTCAGCTCGCAGAGATAACAGAGAGTGCATCCTTGTACTT-3'
Protein context (NP_003226.4, residues 1887-1907): QQANLWCLSR[Cys1897Tyr]VQEHSFCQLA